The following is an entry in ClinVar:

ClinVar aggregate classification (germline): Benign. Review status: criteria provided, multiple submitters, no conflicts (2 of 4 stars). 3 submissions from 3 submitters: Benign (3). Last evaluated 2024-01-24.

Allele frequency attached by ClinVar (database versions not stated): 1000 Genomes Project 0.17192; 1000 Genomes Project 30x 0.17333; TOPMed 0.27805; gnomAD 0.28844 and 0.29341; ExAC 0.29853; gnomAD exomes 0.30069; ESP Exome Variant Server 0.30624.
gnomAD v4.1: 590,359 of 1,576,486 alleles (37%); highest among the groups gnomAD compares: Non-Finnish European, 44%; 122,070 homozygotes.

Submissions (3):

Unidad de Genómica Garrahan, Hospital de Pediatría Garrahan
Classification: Benign. Last evaluated: 2024-01-24. Review status: criteria provided, single submitter. Criteria: ACMG Guidelines, 2015. Collection method: clinical testing. Allele origin: germline. Affected: no. Observed: 47 variant alleles.
Comment: This variant is classified as Benign based on local population frequency. This variant was detected in 49% of patients studied by a panel of primary immunodeficiencies. Number of patients: 47. Only high quality variants are reported.

GeneDx
Classification: Benign. Last evaluated: 2018-11-11. Review status: criteria provided, single submitter. Criteria: GeneDx Variant Classification Process June 2021. Collection method: clinical testing. Allele origin: germline. Affected: yes.

Breakthrough Genomics
Classification: Benign. Review status: criteria provided, single submitter. Criteria: ACMG Guidelines, 2015. Collection method: not provided. Allele origin: germline. Inheritance: Autosomal recessive inheritance. Affected: yes.

NM_001278.5(CHUK):c.1974+36T>G

Gene: CHUK (component of inhibitor of nuclear factor kappa B kinase complex; minus strand). Cytogenetic location: 10q24.31.
Variant type: single nucleotide variant.
Coding change: c.1974+36T>G on transcript NM_001278.5 (MANE Select); 36 bases into the intron after coding-DNA position 1974, T replaced by G.
Molecular consequence: intron variant.
Genome position (GRCh38, 1-based): chr10:100,193,948, A>C on the plus strand (T>G on the coding strand, the complement: CHUK is on the minus strand). VCF-style: chr10-100193948-A-C. GRCh37 (hg19) VCF-style: chr10-101953705-A-C.
Other names: c.1974+36T>G (NM_001320928.2).
Identifiers: ClinVar variation 1235205 (VCV001235205.6), dbSNP rs11597086, ClinGen allele CA5646303.